The following is an entry in ClinVar:

ClinVar aggregate classification (germline): Uncertain significance (1 of 4 stars; one submission).

Submission:

Dasa
Classification: Uncertain significance. Last evaluated: 2025-09-15. Review status: criteria provided, single submitter. Criteria: DASA Assertion Criteria. Collection method: clinical testing. Allele origin: germline.
Comment: NM_006262.4(PRPH):c.785C>G (p.Thr262Arg) is a missense variant that results in the substitution of threonine with arginine. This variant is absent from population databases. Computational prediction algorithms are consistent with a deleterious effect. The currently available literature and clinical evidence are not sufficient to establish a definitive association between this variant and the reported condition. Therefore, this variant is classified as a variant of uncertain significance.

NM_006262.4(PRPH):c.785C>G (p.Thr262Arg)

Genes: PRPH (peripherin; plus strand), TROAP-AS1 (TROAP and PRPH antisense RNA 1; minus strand). Cytogenetic location: 12q13.12.
Variant type: single nucleotide variant.
Coding change: c.785C>G on transcript NM_006262.4 (MANE Select); coding-DNA position 785, C replaced by G.
Protein change: p.Thr262Arg; replaces threonine 262 with arginine.
Molecular consequence: missense variant. On other transcripts: non-coding transcript variant (1).
Genome position (GRCh38, 1-based): chr12:49,296,971, C>G. VCF-style: chr12-49296971-C-G. GRCh37 (hg19) VCF-style: chr12-49690754-C-G.
Other names: short protein forms T262R.
Identifiers: ClinVar variation 4882821 (VCV004882821.2).